The following is an entry in ClinVar:

NM_033026.6(PCLO):c.9127A>G (p.Thr3043Ala)

Gene: PCLO (piccolo presynaptic cytomatrix protein; minus strand). Cytogenetic location: 7q21.11.
Variant type: single nucleotide variant.
Coding change: c.9127A>G on transcript NM_033026.6 (MANE Select); coding-DNA position 9127, A replaced by G.
Protein change: p.Thr3043Ala; replaces threonine 3043 with alanine.
Molecular consequence: missense variant.
Genome position (GRCh38, 1-based): chr7:82,951,461, T>C on the plus strand (A>G on the coding strand, the complement: PCLO is on the minus strand). VCF-style: chr7-82951461-T-C. GRCh37 (hg19) VCF-style: chr7-82580777-T-C.
Other names: c.9127A>G, p.Thr3043Ala (NM_014510.3); short protein forms T3043A.
Identifiers: ClinVar variation 1525572 (VCV001525572.8), dbSNP rs767755140, ClinGen allele CA4319981.
Genomic context (GRCh38, chr7:82,951,461, plus strand): 5'-ACTGTGGGGTACTAATCCCAGCTCCTGAAATGACTTGTCGTGTTTCTGGATATGGACCTG[T>C]AGTCTTGCTTGAATAATCCATTACCTCACCTGAAATACAGGGCAGAGTTATAGTCCAGTT-3'
Protein context (NP_149015.2, residues 3033-3053): GEVMDYSSKT[Thr3043Ala]GPYPETRQVI

ClinVar aggregate classification (germline): Uncertain significance (1 of 4 stars; one submission).

Allele frequency attached by ClinVar (database versions not stated): gnomAD 0.00001; gnomAD exomes 0.00002 and 0.00004; TOPMed 0.00002; ExAC 0.00003.
gnomAD v4.1: 37 of 1,578,562 alleles (0.0023%); highest among the groups gnomAD compares: Admixed American, 0.013%; no homozygotes.

Submission:

Labcorp Genetics (formerly Invitae), Labcorp
Classification: Uncertain significance. Last evaluated: 2024-05-07. Review status: criteria provided, single submitter. Criteria: Invitae Variant Classification Sherloc (09022015). Collection method: clinical testing. Allele origin: germline.
Comment: This sequence change replaces threonine, which is neutral and polar, with alanine, which is neutral and non-polar, at codon 3043 of the PCLO protein (p.Thr3043Ala). This variant is present in population databases (rs767755140, gnomAD 0.01%). This variant has not been reported in the literature in individuals affected with PCLO-related conditions. ClinVar contains an entry for this variant (Variation ID: 1525572). Algorithms developed to predict the effect of missense changes on protein structure and function output the following: SIFT: "Not Available"; PolyPhen-2: "Not Available"; Align-GVGD: "Not Available". The alanine amino acid residue is found in multiple mammalian species, which suggests that this missense change does not adversely affect protein function. In summary, the available evidence is currently insufficient to determine the role of this variant in disease. Therefore, it has been classified as a Variant of Uncertain Significance.